The following is an entry in ClinVar:

ClinVar aggregate classification (germline): Uncertain significance (1 of 4 stars; one submission).

Conditions:
Hyperphosphatasia with impaired intellectual development syndrome 2. Also called: Hyperphosphatasia with intellectual disability syndrome 2; GLYCOSYLPHOSPHATIDYLINOSITOL BIOSYNTHESIS DEFECT 6. Identifiers: Orphanet 247262, MedGen C3553637, MONDO:0013882, OMIM 614749.

Allele frequency attached by ClinVar (database versions not stated): gnomAD 0.00001; gnomAD exomes 0.00002.
gnomAD v4.1: 35 of 1,613,988 alleles (0.0022%); highest among the groups gnomAD compares: Non-Finnish European, 0.003%; no homozygotes.

Submission:

Labcorp Genetics (formerly Invitae), Labcorp
Classification: Uncertain significance for Hyperphosphatasia with impaired intellectual development syndrome 2. Last evaluated: 2024-12-22. Review status: criteria provided, single submitter. Criteria: Invitae Variant Classification Sherloc (09022015). Collection method: clinical testing. Allele origin: germline.
Comment: This sequence change replaces glutamic acid, which is acidic and polar, with glutamine, which is neutral and polar, at codon 313 of the PIGO protein (p.Glu313Gln). This variant is present in population databases (rs747260799, gnomAD 0.005%). This variant has not been reported in the literature in individuals affected with PIGO-related conditions. ClinVar contains an entry for this variant (Variation ID: 1057592). Invitae Evidence Modeling of protein sequence and biophysical properties (such as structural, functional, and spatial information, amino acid conservation, physicochemical variation, residue mobility, and thermodynamic stability) indicates that this missense variant is not expected to disrupt PIGO protein function with a negative predictive value of 95%. In summary, the available evidence is currently insufficient to determine the role of this variant in disease. Therefore, it has been classified as a Variant of Uncertain Significance.

NM_032634.4(PIGO):c.937G>C (p.Glu313Gln)

Gene: PIGO (phosphatidylinositol glycan anchor biosynthesis class O; minus strand). Cytogenetic location: 9p13.3.
Variant type: single nucleotide variant.
Coding change: c.937G>C on transcript NM_032634.4 (MANE Select); coding-DNA position 937, G replaced by C.
Protein change: p.Glu313Gln; replaces glutamic acid 313 with glutamine.
Molecular consequence: missense variant.
Genome position (GRCh38, 1-based): chr9:35,093,423, C>G on the plus strand (G>C on the coding strand, the complement: PIGO is on the minus strand). VCF-style: chr9-35093423-C-G. GRCh37 (hg19) VCF-style: chr9-35093420-C-G.
Other names: c.937G>C, p.Glu313Gln (NM_001201484.2, NM_152850.4); short protein forms E313Q.
Identifiers: ClinVar variation 1057592 (VCV001057592.10), dbSNP rs747260799, ClinGen allele CA5040793.